The following is an entry in ClinVar:

ClinVar aggregate classification (germline): Uncertain significance (1 of 4 stars; one submission).

Conditions:
Severe combined immunodeficiency due to DNA-PKcs deficiency. Also called: IMMUNODEFICIENCY 26 WITH NEUROLOGIC ABNORMALITIES; Immunodeficiency 26 with or without neurologic abnormalities. Identifiers: Orphanet 317425, MedGen C4014833, MONDO:0014423, OMIM 615966.

Allele frequency attached by ClinVar (database versions not stated): TOPMed 0.00003.
gnomAD v4.1: 113 of 1,613,668 alleles (0.007%); highest among the groups gnomAD compares: Non-Finnish European, 0.0096%; no homozygotes.

Submission:

Labcorp Genetics (formerly Invitae), Labcorp
Classification: Uncertain significance for Severe combined immunodeficiency due to DNA-PKcs deficiency. Last evaluated: 2022-09-16. Review status: criteria provided, single submitter. Criteria: Invitae Variant Classification Sherloc (09022015). Collection method: clinical testing. Allele origin: germline.
Comment: Algorithms developed to predict the effect of sequence changes on RNA splicing suggest that this variant is not likely to affect RNA splicing. ClinVar contains an entry for this variant (Variation ID: 1009839). This variant has not been reported in the literature in individuals affected with PRKDC-related conditions. This variant is present in population databases (rs8178236, gnomAD 0.0009%). This sequence change affects codon 3702 of the PRKDC mRNA. It is a 'silent' change, meaning that it does not change the encoded amino acid sequence of the PRKDC protein. It affects a nucleotide within the consensus splice site. In summary, the available evidence is currently insufficient to determine the role of this variant in disease. Therefore, it has been classified as a Variant of Uncertain Significance.

NM_006904.7(PRKDC):c.11106C>G (p.Pro3702=)

Gene: PRKDC (protein kinase, DNA-activated, catalytic subunit; minus strand). Cytogenetic location: 8q11.21.
Variant type: single nucleotide variant.
Coding change: c.11106C>G on transcript NM_006904.7 (MANE Select); coding-DNA position 11106, C replaced by G.
Protein change: p.Pro3702=; no amino-acid change (proline 3702 retained).
Molecular consequence: synonymous variant.
Genome position (GRCh38, 1-based): chr8:47,785,114, G>C on the plus strand (C>G on the coding strand, the complement: PRKDC is on the minus strand). VCF-style: chr8-47785114-G-C. GRCh37 (hg19) VCF-style: chr8-48697675-G-C.
Other names: c.11106C>G, p.Pro3702= (NM_001081640.2).
Identifiers: ClinVar variation 1009839 (VCV001009839.3), dbSNP rs8178236, ClinGen allele CA176142733.